The following is an entry in ClinVar:

ClinVar aggregate classification (germline): Uncertain significance (1 of 4 stars; one submission).

Conditions:
Combined oxidative phosphorylation defect type 27. Also called: Combined oxidative phosphorylation deficiency 27. Identifiers: Orphanet 477774, MedGen C5567608, MONDO:0014728, OMIM 616672.

gnomAD v4.1: 1 of 1,551,204 alleles (0.000064%); highest among the groups gnomAD compares: Admixed American, 0.002%; no homozygotes.

Submission:

Labcorp Genetics (formerly Invitae), Labcorp
Classification: Uncertain significance for Combined oxidative phosphorylation defect type 27. Last evaluated: 2024-04-09. Review status: criteria provided, single submitter. Criteria: Invitae Variant Classification Sherloc (09022015). Collection method: clinical testing. Allele origin: germline.
Comment: This sequence change replaces glycine, which is neutral and non-polar, with aspartic acid, which is acidic and polar, at codon 532 of the CARS2 protein (p.Gly532Asp). The frequency data for this variant in the population databases is considered unreliable, as metrics indicate poor data quality at this position in the gnomAD database. This variant has not been reported in the literature in individuals affected with CARS2-related conditions. Advanced modeling of protein sequence and biophysical properties (such as structural, functional, and spatial information, amino acid conservation, physicochemical variation, residue mobility, and thermodynamic stability) performed at Invitae indicates that this missense variant is not expected to disrupt CARS2 protein function with a negative predictive value of 80%. In summary, the available evidence is currently insufficient to determine the role of this variant in disease. Therefore, it has been classified as a Variant of Uncertain Significance.

NM_024537.4(CARS2):c.1595G>A (p.Gly532Asp)

Gene: CARS2 (cysteinyl-tRNA synthetase 2, mitochondrial; minus strand). Cytogenetic location: 13q34.
Variant type: single nucleotide variant.
Coding change: c.1595G>A on transcript NM_024537.4 (MANE Select); coding-DNA position 1595, G replaced by A.
Protein change: p.Gly532Asp; replaces glycine 532 with aspartic acid.
Molecular consequence: missense variant. On other transcripts: non-coding transcript variant (2).
Genome position (GRCh38, 1-based): chr13:110,642,343, C>T on the plus strand (G>A on the coding strand, the complement: CARS2 is on the minus strand). VCF-style: chr13-110642343-C-T. GRCh37 (hg19) VCF-style: chr13-111294690-C-T.
Other names: c.809G>A, p.Gly270Asp (NM_001352252.2); short protein forms G270D, G532D.
Identifiers: ClinVar variation 3708244 (VCV003708244.2).
Genomic context (GRCh38, chr13:110,642,343, plus strand): 5'-GGTGATGTCCCTGACCTTGGTGCGGCACTCACCTTGATGTTGATGCCGTGGGCAGTCAGG[C>T]CCCGGCGCAGGGTGTCGCATGCTTCCAGCAGGGGCTGCCTTTCTAGGAGCTGCTGCCGCC-3'
Protein context (NP_078813.1, residues 522-542): LLEACDTLRR[Gly532Asp]LTAHGINIKD